The following is an entry in ClinVar:

NM_016180.5(SLC45A2):c.799G>A (p.Glu267Lys)

Gene: SLC45A2 (solute carrier family 45 member 2; minus strand). Cytogenetic location: 5p13.2.
Variant type: single nucleotide variant.
Coding change: c.799G>A on transcript NM_016180.5 (MANE Select); coding-DNA position 799, G replaced by A.
Protein change: p.Glu267Lys; replaces glutamic acid 267 with lysine.
Molecular consequence: missense variant. On other transcripts: intron variant (1).
Genome position (GRCh38, 1-based): chr5:33,963,780, C>T on the plus strand (G>A on the coding strand, the complement: SLC45A2 is on the minus strand). VCF-style: chr5-33963780-C-T. GRCh37 (hg19) VCF-style: chr5-33963885-C-T.
Other names: c.799G>A, p.Glu267Lys (NM_001012509.4); c.563-9276G>A (NM_001297417.4); short protein forms E267K.
Identifiers: ClinVar variation 905420 (VCV000905420.9), dbSNP rs140005143, ClinGen allele CA3225698.

ClinVar aggregate classification (germline): Conflicting classifications of pathogenicity. Review status: criteria provided, conflicting classifications (1 of 4 stars). 3 submissions from 3 submitters: Uncertain significance (2); Likely benign (1). Last evaluated 2024-09-16.

Conditions:
Oculocutaneous albinism type 4 (OCA4). Also called: Albinism, oculocutaneous, type IV. Identifiers: Orphanet 79435, MedGen C1847836, MONDO:0011683, OMIM 606574.

Allele frequency attached by ClinVar (database versions not stated): gnomAD exomes 0.00020; gnomAD 0.00038 and 0.00037; TOPMed 0.00028; 1000 Genomes Project 0.00020; 1000 Genomes Project 30x 0.00047; ESP Exome Variant Server 0.00092.

Submissions (3):

Blueprint Genetics
Classification: Likely benign. Last evaluated: 2024-09-16. Review status: criteria provided, single submitter. Criteria: ACMG Guidelines, 2015. Collection method: clinical testing. Allele origin: germline.

Labcorp Genetics (formerly Invitae), Labcorp
Classification: Uncertain significance. Last evaluated: 2022-07-23. Review status: criteria provided, single submitter. Criteria: Invitae Variant Classification Sherloc (09022015). Collection method: clinical testing. Allele origin: germline.
Comment: This sequence change replaces glutamic acid, which is acidic and polar, with lysine, which is basic and polar, at codon 267 of the SLC45A2 protein (p.Glu267Lys). This variant is present in population databases (rs140005143, gnomAD 0.05%). This variant has not been reported in the literature in individuals affected with SLC45A2-related conditions. ClinVar contains an entry for this variant (Variation ID: 905420). Algorithms developed to predict the effect of missense changes on protein structure and function output the following: SIFT: "Tolerated"; PolyPhen-2: "Benign"; Align-GVGD: "Class C0". The lysine amino acid residue is found in multiple mammalian species, which suggests that this missense change does not adversely affect protein function. In summary, the available evidence is currently insufficient to determine the role of this variant in disease. Therefore, it has been classified as a Variant of Uncertain Significance.

Illumina Laboratory Services, Illumina
Classification: Uncertain significance for Oculocutaneous albinism type 4. Last evaluated: 2017-12-19. Review status: criteria provided, single submitter. Criteria: ICSL Variant Classification Criteria 13 December 2019. Collection method: clinical testing. Allele origin: germline.
Comment: This variant was observed as part of a predisposition screen in an ostensibly healthy population. A literature search was performed for the gene, cDNA change, and amino acid change (where applicable). Publications were found based on this search. However, the evidence from the literature, in combination with allele frequency data from public databases where available, was not sufficient to rule this variant in or out of causing disease. Therefore, this variant is classified as a variant of unknown significance.

Literature cited by the submitters: PubMed 27019209 (cited by Illumina Laboratory Services, Illumina).